The following is an entry in ClinVar:

NM_006415.4(SPTLC1):c.1111G>A (p.Gly371Arg)

Gene: SPTLC1 (serine palmitoyltransferase long chain base subunit 1; minus strand). Cytogenetic location: 9q22.31.
Variant type: single nucleotide variant.
Coding change: c.1111G>A on transcript NM_006415.4 (MANE Select); coding-DNA position 1111, G replaced by A.
Protein change: p.Gly371Arg; replaces glycine 371 with arginine.
Molecular consequence: missense variant.
Genome position (GRCh38, 1-based): chr9:92,046,024, C>T on the plus strand (G>A on the coding strand, the complement: SPTLC1 is on the minus strand). VCF-style: chr9-92046024-C-T. GRCh37 (hg19) VCF-style: chr9-94808306-C-T.
Other names: p.Gly371Arg; c.1111G>A, p.Gly371Arg (NM_001281303.2); c.745G>A, p.Gly249Arg (NM_001368272.1); c.646G>A, p.Gly216Arg (NM_001368273.1); short protein forms G216R, G249R, G371R.
Identifiers: ClinVar variation 732005 (VCV000732005.11), dbSNP rs147143593, ClinGen allele CA5121315.

ClinVar aggregate classification (germline): Conflicting classifications of pathogenicity. Review status: criteria provided, conflicting classifications (1 of 4 stars). 3 submissions from 3 submitters: Uncertain significance (1); Likely benign (2). Last evaluated 2025-08-27.

Conditions:
Hereditary sensory and autonomic neuropathy type 1 (HSAN1). Also called: HSAN 1; HSN Type I; Hereditary Sensory Neuropathy Type I. Identifiers: Orphanet 36386, MedGen C0020071, MONDO:0018213.
Neuropathy, hereditary sensory and autonomic, type 1A (HSAN1A). Also called: NEUROPATHY, HEREDITARY SENSORY AND AUTONOMIC, TYPE IA; SPTLC1-Related Hereditary Sensory Neuropathy; HSAN IA; HSN IA; NEUROPATHY, HEREDITARY SENSORY RADICULAR, AUTOSOMAL DOMINANT, TYPE 1A. Identifiers: MedGen C5235211, MONDO:0008086, OMIM 162400.
Amyotrophic lateral sclerosis 27, juvenile (ALS27). Identifiers: MedGen C5830359, MONDO:0859529, OMIM 620285.

Allele frequency attached by ClinVar (database versions not stated): ExAC 0.00015; gnomAD 0.00011; ESP Exome Variant Server 0.00015; gnomAD exomes 0.00003 and 0.00011; TOPMed 0.00011.

Submissions (3):

Mayo Clinic Laboratories, Mayo Clinic
Classification: Likely benign. Last evaluated: 2025-08-27. Review status: criteria provided, single submitter. Criteria: ACMG Guidelines, 2015. Collection method: clinical testing. Allele origin: germline. Observed: 2 variant alleles.
Comment: BS1, BP4

Labcorp Genetics (formerly Invitae), Labcorp
Classification: Likely benign for Hereditary sensory and autonomic neuropathy type 1. Last evaluated: 2025-01-06. Review status: criteria provided, single submitter. Criteria: Invitae Variant Classification Sherloc (09022015). Collection method: clinical testing. Allele origin: germline.

Department of Pathology and Laboratory Medicine, Sinai Health System
Classification: Uncertain significance for Neuropathy, hereditary sensory and autonomic, type 1A; Amyotrophic lateral sclerosis 27, juvenile. Last evaluated: 2021-07-30. Review status: criteria provided, single submitter. Criteria: ACMG Guidelines, 2015. Collection method: research. Allele origin: germline.